The following is an entry in ClinVar:

NM_000426.4(LAMA2):c.3806del (p.Thr1269fs)

Gene: LAMA2 (laminin subunit alpha 2; plus strand). Cytogenetic location: 6q22.33.
Variant type: Deletion.
Coding change: c.3806del on transcript NM_000426.4 (MANE Select); coding-DNA position 3806, one base deleted (C; older notation c.3806delC).
Protein change: p.Thr1269fs; shifts the reading frame from threonine 1269.
Molecular consequence: frameshift variant.
Genome position (GRCh38, 1-based): chr6:129,315,832, C deleted. VCF-style (leftmost placement, unchanged base first): chr6-129315831-AC-A. GRCh37 (hg19) VCF-style: chr6-129636976-AC-A.
Other names: c.3806del, p.Thr1269fs (NM_001079823.2); short protein forms T1269fs.
Identifiers: ClinVar variation 2709889 (VCV002709889.3), dbSNP rs2482416953, ClinGen allele CA2697553695.

ClinVar aggregate classification (germline): Pathogenic (1 of 4 stars; one submission).

Conditions:
LAMA2-related muscular dystrophy (LAMA2-RD). Also called: Laminin alpha 2-related dystrophy. Identifiers: MedGen C5679788, MONDO:0100228.

Submission:

Labcorp Genetics (formerly Invitae), Labcorp
Classification: Pathogenic for LAMA2-related muscular dystrophy. Last evaluated: 2024-01-17. Review status: criteria provided, single submitter. Criteria: Invitae Variant Classification Sherloc (09022015). Collection method: clinical testing. Allele origin: germline.
Comment: This sequence change creates a premature translational stop signal (p.Thr1269Asnfs*6) in the LAMA2 gene. It is expected to result in an absent or disrupted protein product. Loss-of-function variants in LAMA2 are known to be pathogenic (PMID: 18700894, 32904964). This variant is not present in population databases (gnomAD no frequency). This variant has not been reported in the literature in individuals affected with LAMA2-related conditions. Algorithms developed to predict the effect of sequence changes on RNA splicing suggest that this variant may disrupt the consensus splice site. For these reasons, this variant has been classified as Pathogenic.

Literature cited by the submitters: PubMed 18700894; PubMed 32904964.